The following is an entry in ClinVar:

ClinVar aggregate classification (germline): Benign/Likely benign. Review status: criteria provided, multiple submitters, no conflicts (2 of 4 stars). 2 submissions from 2 submitters: Benign (1); Likely benign (1). Last evaluated 2024-03-15.

Conditions:
Familial adenomatous polyposis 1 (FAP1). Also called: POLYPOSIS, ADENOMATOUS INTESTINAL; FAMILIAL ADENOMATOUS POLYPOSIS 1, ATTENUATED. Identifiers: MedGen C2713442, MONDO:0021056, OMIM 175100. Disease mechanism: loss of function.

Submissions (2):

Myriad Genetics, Inc.
Classification: Benign for Familial adenomatous polyposis 1. Last evaluated: 2024-03-15. Review status: criteria provided, single submitter. Criteria: Myriad Autosomal Dominant, Autosomal Recessive and X-Linked Classification Criteria (2023). Collection method: clinical testing. Allele origin: unknown.
Comment: This variant is considered benign. This variant is a silent/synonymous amino acid change and it is not expected to impact splicing.

Labcorp Genetics (formerly Invitae), Labcorp
Classification: Likely benign for Familial adenomatous polyposis 1. Last evaluated: 2020-07-08. Review status: criteria provided, single submitter. Criteria: Invitae Variant Classification Sherloc (09022015). Collection method: clinical testing. Allele origin: germline.

NM_000038.6(APC):c.2904T>C (p.Ser968=)

Gene: APC (APC regulator of Wnt signaling pathway; plus strand). Cytogenetic location: 5q22.2.
Variant type: single nucleotide variant.
Coding change: c.2904T>C on transcript NM_000038.6 (MANE Select); coding-DNA position 2904, T replaced by C.
Protein change: p.Ser968=; no amino-acid change (serine 968 retained).
Molecular consequence: synonymous variant.
Genome position (GRCh38, 1-based): chr5:112,838,498, T>C. VCF-style: chr5-112838498-T-C. GRCh37 (hg19) VCF-style: chr5-112174195-T-C.
Other names: c.2904T>C, p.Ser968= (NM_001127510.3, NM_001354895.2); c.2850T>C, p.Ser950= (NM_001127511.3); c.2958T>C, p.Ser986= (NM_001354896.2); c.2934T>C, p.Ser978= (NM_001354897.2); c.2829T>C, p.Ser943= (NM_001354898.2); c.2820T>C, p.Ser940= (NM_001354899.2); c.2781T>C, p.Ser927= (NM_001354900.2); c.2727T>C, p.Ser909= (NM_001354901.2); and 5 more.
Identifiers: ClinVar variation 1099895 (VCV001099895.11), dbSNP rs1554084582, ClinGen allele CA445963062.